The following is an entry in ClinVar:

NM_013280.5(FLRT1):c.1775G>A (p.Arg592Gln)

Genes: FLRT1 (fibronectin leucine rich transmembrane protein 1; plus strand), MACROD1 (mono-ADP ribosylhydrolase 1; minus strand). Cytogenetic location: 11q13.1.
Variant type: single nucleotide variant.
Coding change: c.1775G>A on transcript NM_013280.5 (MANE Select); coding-DNA position 1775, G replaced by A.
Protein change: p.Arg592Gln; replaces arginine 592 with glutamine.
Molecular consequence: missense variant. On other transcripts: intron variant (2).
Genome position (GRCh38, 1-based): chr11:64,118,042, G>A. VCF-style: chr11-64118042-G-A. GRCh37 (hg19) VCF-style: chr11-63885514-G-A.
Other names: c.1775G>A, p.Arg592Gln (NM_001384466.1); c.1691G>A, p.Arg564Gln (NM_001423967.1); c.517+33197C>T (NM_001411019.1, NM_014067.4); short protein forms R592Q, R564Q.
Identifiers: ClinVar variation 845837 (VCV000845837.10), dbSNP rs767315617, ClinGen allele CA6067784.

ClinVar aggregate classification (germline): Uncertain significance. Review status: criteria provided, multiple submitters, no conflicts (2 of 4 stars). 2 submissions from 2 submitters: Uncertain significance (2). Last evaluated 2022-12-21.

Conditions:
Peripheral neuropathy. Also called: Neuropathy. Identifiers: MedGen C0031117, MONDO:0005244, HP:0009830.

Allele frequency attached by ClinVar (database versions not stated): TOPMed 0.00002; ExAC 0.00003; gnomAD exomes 0.00003; gnomAD 0.00004.
gnomAD v4.1: 109 of 1,613,420 alleles (0.0068%); highest among the groups gnomAD compares: East Asian, 0.016%; no homozygotes.

Submissions (2):

Ambry Genetics
Classification: Uncertain significance. Last evaluated: 2022-12-21. Review status: criteria provided, single submitter. Criteria: Ambry Variant Classification Scheme 2023. Collection method: clinical testing. Allele origin: germline.

Labcorp Genetics (formerly Invitae), Labcorp
Classification: Uncertain significance for Peripheral neuropathy. Last evaluated: 2022-03-09. Review status: criteria provided, single submitter. Criteria: Invitae Variant Classification Sherloc (09022015). Collection method: clinical testing. Allele origin: germline.
Comment: The frequency data for this variant in the population databases is considered unreliable, as metrics indicate poor data quality at this position in the gnomAD database. This sequence change replaces arginine, which is basic and polar, with glutamine, which is neutral and polar, at codon 592 of the FLRT1 protein (p.Arg592Gln). This variant has not been reported in the literature in individuals affected with FLRT1-related conditions. In summary, the available evidence is currently insufficient to determine the role of this variant in disease. Therefore, it has been classified as a Variant of Uncertain Significance. Algorithms developed to predict the effect of missense changes on protein structure and function are either unavailable or do not agree on the potential impact of this missense change (SIFT: "Deleterious"; PolyPhen-2: "Benign"; Align-GVGD: "Class C35"). ClinVar contains an entry for this variant (Variation ID: 845837).